The following is an entry in ClinVar:

NM_005529.7(HSPG2):c.2821G>A (p.Ala941Thr)

Gene: HSPG2 (heparan sulfate proteoglycan 2; minus strand). Cytogenetic location: 1p36.12.
Variant type: single nucleotide variant.
Coding change: c.2821G>A on transcript NM_005529.7 (MANE Select); coding-DNA position 2821, G replaced by A.
Protein change: p.Ala941Thr; replaces alanine 941 with threonine.
Molecular consequence: missense variant.
Genome position (GRCh38, 1-based): chr1:21,876,517, C>T on the plus strand (G>A on the coding strand, the complement: HSPG2 is on the minus strand). VCF-style: chr1-21876517-C-T. GRCh37 (hg19) VCF-style: chr1-22203010-C-T.
Other names: c.2821G>A (NM_005529.5); c.2824G>A, p.Ala942Thr (NM_001291860.2); short protein forms A942T, A941T.
Identifiers: ClinVar variation 806085 (VCV000806085.44), dbSNP rs776154012, ClinGen allele CA672868.
Genomic context (GRCh38, chr1:21,876,517, plus strand): 5'-TTGGTCCATCCGGCCCAGGGCTTGGCGGTCCTGCCCGCCCACCTTGCAGAGGTACCTGGG[C>T]ACGGCTCCATGAAGAGCTGGTGCAGTGGCGACTGACACCCATGCAGAAGCACTTGAGGCA-3'
Protein context (NP_005520.4, residues 931-951): RHCTSSSWSR[Ala941Thr]QLHGASEEPG

ClinVar aggregate classification (germline): Uncertain significance. Review status: criteria provided, multiple submitters, no conflicts (2 of 4 stars). 3 submissions from 3 submitters: Uncertain significance (3). Last evaluated 2024-10-31.

Allele frequency attached by ClinVar (database versions not stated): gnomAD below 0.00001 and 0.00001; TOPMed below 0.00001; gnomAD exomes 0.00007 and 0.00018; ExAC 0.00021.
gnomAD v4.1: 104 of 1,614,024 alleles (0.0064%); highest among the groups gnomAD compares: South Asian, 0.1%; no homozygotes.

Submissions (3):

GeneDx
Classification: Uncertain significance. Last evaluated: 2024-10-31. Review status: criteria provided, single submitter. Criteria: GeneDx Variant Classification Process June 2021. Collection method: clinical testing. Allele origin: germline. Affected: yes.
Comment: In silico analysis indicates that this missense variant does not alter protein structure/function; Has not been previously published as pathogenic or benign to our knowledge

Blueprint Genetics
Classification: Uncertain significance. Last evaluated: 2024-01-24. Review status: criteria provided, single submitter. Criteria: ACMG Guidelines, 2015. Collection method: clinical testing. Allele origin: germline.

CeGaT Center for Human Genetics Tuebingen
Classification: Uncertain significance. Last evaluated: 2018-04-01. Review status: criteria provided, single submitter. Criteria: CeGaT Center For Human Genetics Tuebingen Variant Classification Criteria Version 2. Collection method: clinical testing. Allele origin: germline. Affected: yes. Observed: 1 variant allele.